The following is an entry in ClinVar:

NM_001040142.2(SCN2A):c.2293A>G (p.Ile765Val)

Gene: SCN2A (sodium voltage-gated channel alpha subunit 2; plus strand). Cytogenetic location: 2q24.3.
Variant type: single nucleotide variant.
Coding change: c.2293A>G on transcript NM_001040142.2 (MANE Select); coding-DNA position 2293, A replaced by G.
Protein change: p.Ile765Val; replaces isoleucine 765 with valine.
Molecular consequence: missense variant.
Genome position (GRCh38, 1-based): chr2:165,331,473, A>G. VCF-style: chr2-165331473-A-G. GRCh37 (hg19) VCF-style: chr2-166187983-A-G.
Other names: c.2293A>G (NM_021007.2); c.2293A>G, p.Ile765Val (NM_001040143.2, NM_001371246.1, NM_001371247.1 and 1 more transcripts); short protein forms I765V.
Identifiers: ClinVar variation 2927077 (VCV002927077.5), dbSNP rs1299920842, ClinGen allele CA349031197.
Genomic context (GRCh38, chr2:165,331,473, plus strand): 5'-TGGTTAAAGGTGAAACACCTTGTCAACCTGGTTGTAATGGACCCATTTGTTGACCTGGCC[A>G]TCACCATCTGCATTGTCTTAAATACACTCTTCATGGCTATGGAGCACTATCCCATGACGG-3'
Protein context (NP_001035232.1, residues 755-775): VVMDPFVDLA[Ile765Val]TICIVLNTLF

ClinVar aggregate classification (germline): Uncertain significance. Review status: criteria provided, multiple submitters, no conflicts (2 of 4 stars). 2 submissions from 2 submitters: Uncertain significance (2). Last evaluated 2025-12-23.

Conditions:
Developmental and epileptic encephalopathy, 11 (DEE11). Also called: Early infantile epileptic encephalopathy 11. Identifiers: Orphanet 1934, MedGen C3150987, MONDO:0013388, OMIM 613721.
Seizures, benign familial infantile, 3 (BFIS3). Also called: CONVULSIONS, BENIGN FAMILIAL INFANTILE, 3; Familial neonatal seizures. Identifiers: Orphanet 140927, Orphanet 306, MedGen C1843140, MONDO:0011904, OMIM 607745.

Allele frequency attached by ClinVar (database versions not stated): gnomAD 0.00001; TOPMed 0.00002.
gnomAD v4.1: 1 of 1,613,748 alleles (0.000062%); highest among the groups gnomAD compares: Non-Finnish European, 0.000085%; no homozygotes.

Submissions (2):

GeneDx
Classification: Uncertain significance. Last evaluated: 2025-12-23. Review status: criteria provided, single submitter. Criteria: GeneDx Variant Classification Process June 2021. Collection method: clinical testing. Allele origin: germline.
Comment: Not observed at significant frequency in large population cohorts (gnomAD); In silico analysis suggests that this missense variant does not alter protein structure/function; This substitution is predicted to be within the transmembrane segment S1 of the second homologous domain; Has not been previously published as pathogenic or benign to our knowledge

Labcorp Genetics (formerly Invitae), Labcorp
Classification: Uncertain significance for Seizures, benign familial infantile, 3; Developmental and epileptic encephalopathy, 11. Last evaluated: 2024-07-24. Review status: criteria provided, single submitter. Criteria: Invitae Variant Classification Sherloc (09022015). Collection method: clinical testing. Allele origin: germline.
Comment: This sequence change replaces isoleucine, which is neutral and non-polar, with valine, which is neutral and non-polar, at codon 765 of the SCN2A protein (p.Ile765Val). This variant is not present in population databases (gnomAD no frequency). This variant has not been reported in the literature in individuals affected with SCN2A-related conditions. Advanced modeling of protein sequence and biophysical properties (such as structural, functional, and spatial information, amino acid conservation, physicochemical variation, residue mobility, and thermodynamic stability) performed at Invitae indicates that this missense variant is expected to disrupt SCN2A protein function with a positive predictive value of 95%. In summary, the available evidence is currently insufficient to determine the role of this variant in disease. Therefore, it has been classified as a Variant of Uncertain Significance.